The following is an entry in ClinVar:

ClinVar aggregate classification (germline): Uncertain significance (1 of 4 stars; one submission).

Conditions:
Supravalvar aortic stenosis (SVAS). Also called: Supravalvar aortic stenosis, Eisenberg type. Identifiers: Orphanet 3193, MedGen C0003499, MONDO:0008504, OMIM 185500, HP:0004381.

Submission:

Labcorp Genetics (formerly Invitae), Labcorp
Classification: Uncertain significance for Supravalvar aortic stenosis. Last evaluated: 2025-07-16. Review status: criteria provided, single submitter. Criteria: Invitae Variant Classification Sherloc (09022015). Collection method: clinical testing. Allele origin: germline.
Comment: This variant, c.1551_1586del, results in the deletion of 12 amino acid(s) of the ELN protein (p.Leu526_Gly537del), but otherwise preserves the integrity of the reading frame. This variant is present in population databases (rs782689674, gnomAD 0.01%). This variant has not been reported in the literature in individuals affected with ELN-related conditions. ClinVar contains an entry for this variant (Variation ID: 3707494). In summary, the available evidence is currently insufficient to determine the role of this variant in disease. Therefore, it has been classified as a Variant of Uncertain Significance.

NM_000501.4(ELN):c.1464_1499del (p.Leu497_Gly508del)

Genes: ELN-AS1 (ELN antisense RNA 1; minus strand), ELN (elastin; plus strand). Cytogenetic location: 7q11.23.
Variant type: Deletion.
Coding change: c.1464_1499del on transcript NM_000501.4 (MANE Select); coding-DNA positions 1464 to 1499, 36 bases deleted.
Protein change: p.Leu497_Gly508del.
Molecular consequence: non-coding transcript variant (on NR_183555.1).
Genome position (GRCh38, 1-based): chr7:74,059,935-74,059,970, 36 bases deleted; deleting any 36 consecutive bases within chr7:74,059,925-74,059,970 gives the same sequence; the c. name uses the placement nearest the transcript's 3' end. GRCh37 (hg19): chr7:73,474,265-73,474,300.
Other names: c.1377_1412del, p.Leu468_Gly479del (NM_001081752.3); c.1422_1457del, p.Leu483_Gly494del (NM_001081753.3); c.1479_1514del, p.Leu502_Gly513del (NM_001081754.3); c.1407_1442del, p.Leu478_Gly489del (NM_001081755.3); c.1464_1499del, p.Leu497_Gly508del (NM_001278912.2); c.1221_1256del, p.Leu416_Gly427del (NM_001278913.2); c.1392_1427del, p.Leu473_Gly484del (NM_001278914.2); c.1482_1517del, p.Leu503_Gly514del (NM_001278915.2); and 4 more.
Identifiers: ClinVar variation 3707494 (VCV003707494.2).